The following is an entry in ClinVar:

ClinVar aggregate classification (germline): Uncertain significance (1 of 4 stars; one submission).

Allele frequency attached by ClinVar (database versions not stated): TOPMed below 0.00001; ExAC 0.00001; gnomAD 0.00001.
gnomAD v4.1: 2 of 1,614,030 alleles (0.00012%); highest among the groups gnomAD compares: Admixed American, 0.0033%; no homozygotes.

Submission:

Labcorp Genetics (formerly Invitae), Labcorp
Classification: Uncertain significance. Last evaluated: 2022-02-18. Review status: criteria provided, single submitter. Criteria: Invitae Variant Classification Sherloc (09022015). Collection method: clinical testing. Allele origin: germline.
Comment: This sequence change replaces glutamine, which is neutral and polar, with arginine, which is basic and polar, at codon 73 of the MTPAP protein (p.Gln73Arg). This variant is present in population databases (rs759395208, gnomAD 0.007%). This variant has not been reported in the literature in individuals affected with MTPAP-related conditions. Algorithms developed to predict the effect of missense changes on protein structure and function are either unavailable or do not agree on the potential impact of this missense change (SIFT: "Tolerated"; PolyPhen-2: "Possibly Damaging"; Align-GVGD: "Class C0"). In summary, the available evidence is currently insufficient to determine the role of this variant in disease. Therefore, it has been classified as a Variant of Uncertain Significance.

NM_018109.4(MTPAP):c.218A>G (p.Gln73Arg)

Gene: MTPAP (mitochondrial poly(A) polymerase; minus strand). Cytogenetic location: 10p11.23.
Variant type: single nucleotide variant.
Coding change: c.218A>G on transcript NM_018109.4 (MANE Select); coding-DNA position 218, A replaced by G.
Protein change: p.Gln73Arg; replaces glutamine 73 with arginine.
Molecular consequence: missense variant.
Genome position (GRCh38, 1-based): chr10:30,341,580, T>C on the plus strand (A>G on the coding strand, the complement: MTPAP is on the minus strand). VCF-style: chr10-30341580-T-C. GRCh37 (hg19) VCF-style: chr10-30630509-T-C.
Other names: short protein forms Q73R.
Identifiers: ClinVar variation 2019422 (VCV002019422.4), dbSNP rs759395208, ClinGen allele CA5459249.